The following is an entry in ClinVar:

ClinVar aggregate classification (germline): Likely pathogenic (1 of 4 stars; one submission).

Conditions:
Joubert syndrome and related disorders. Identifiers: Orphanet 140874, MedGen C5679612, MONDO:0015369.

Submission:

Women's Health and Genetics/Laboratory Corporation of America, LabCorp
Classification: Likely pathogenic for Joubert syndrome and related disorders. Last evaluated: 2025-01-15. Review status: criteria provided, single submitter. Criteria: LabCorp Variant Classification Summary - May 2015. Collection method: clinical testing. Allele origin: germline.
Comment: Variant summary: AHI1 c.2623+1G>C is located in a canonical splice-site and is predicted to affect mRNA splicing resulting in a significantly altered protein due to either exon skipping, shortening, or inclusion of intronic material. Variants that disrupt the consensus splice site are a relatively common cause of aberrant splicing and loss of AHI1 function. Several computational tools predict a significant impact on normal splicing: Four predict the variant abolishes a 5' splicing donor site. However, these predictions have yet to be confirmed by functional studies. The variant was absent in 237978 control chromosomes. c.2623+1G>C has been reported in the literature in individuals affected Retinitis Pigmentosa (Pannema_2023). To our knowledge, no experimental evidence demonstrating an impact on protein function has been reported. The following publication have been ascertained in the context of this evaluation (PMID: 36819107). No submitters have cited clinical-significance assessments for this variant to ClinVar. Based on the evidence outlined above, the variant was classified as likely pathogenic.

Literature cited by the submitters: PubMed 36819107.

NM_001134831.2(AHI1):c.2623+1G>C

Gene: AHI1 (Abelson helper integration site 1; minus strand). Cytogenetic location: 6q23.3.
Variant type: single nucleotide variant.
Coding change: c.2623+1G>C on transcript NM_001134831.2 (MANE Select); the canonical splice donor site of the intron after coding-DNA position 2623, G replaced by C.
Molecular consequence: splice donor variant.
Genome position (GRCh38, 1-based): chr6:135,428,628, C>G on the plus strand (G>C on the coding strand, the complement: AHI1 is on the minus strand). VCF-style: chr6-135428628-C-G. GRCh37 (hg19) VCF-style: chr6-135749766-C-G.
Other names: c.2623+1G>C (NM_001134830.2, NM_001350503.2, NM_017651.5 and 2 more transcripts).
Identifiers: ClinVar variation 3769080 (VCV003769080.2).
Genomic context (GRCh38, chr6:135,428,628, plus strand): 5'-TCACACTTCTTCAAACCCCTGTACCTCCCCAAATGATTTTTAAAGTTCAATAAACATTCA[C>G]CTGTTTCTGGGTTCCAAACATACACTATACCATCCTCACTTCCAGCAAACAGAAAAGTCC-3'